The following is an entry in ClinVar:

NM_002547.3(OPHN1):c.1812TTC[1] (p.Ser606del)

Gene: OPHN1 (oligophrenin 1; minus strand). Cytogenetic location: Xq12.
Variant type: Microsatellite.
Coding change: c.1812TTC[1] on transcript NM_002547.3 (MANE Select); one copy of the 3-base unit TTC starting at c.1812; the reference has two copies in a row; one copy, 3 bases deleted; also written c.1815_1817del.
Protein change: p.Ser606del; deletes serine 606.
Molecular consequence: inframe deletion.
Genome position (GRCh38, 1-based): chrX:68,073,169-68,073,171, GAA deleted on the plus strand (TTC on the coding strand, the reverse complement: OPHN1 is on the minus strand); deleting any 3 consecutive bases within chrX:68,073,169-68,073,175 gives the same sequence; the position shown is the placement nearest the transcript's 3' end. VCF-style (leftmost placement, unchanged base first): chrX-68073168-GGAA-G. GRCh37 (hg19) VCF-style: chrX-67293010-GGAA-G.
Other names: c.1815_1817del (NM_002547.3); c.1812TTC[1], p.Ser606del (NM_001437258.1); short protein forms S606del.
Identifiers: ClinVar variation 4886325 (VCV004886325.2).

ClinVar aggregate classification (germline): Uncertain significance (1 of 4 stars; one submission).

Submission:

Dasa
Classification: Uncertain significance. Last evaluated: 2025-10-05. Review status: criteria provided, single submitter. Criteria: DASA Assertion Criteria. Collection method: clinical testing. Allele origin: germline.
Comment: NM_002547.3(OPHN1):c.1815_1817del (p.Ser606del) is an in-frame deletion predicted to remove serine at protein position 606 without shifting the reading frame. This variant is absent from population databases. The currently available literature and clinical evidence are not sufficient to establish a definitive association between this variant and the reported condition. Therefore, this variant is classified as a variant of uncertain significance.